The following is an entry in ClinVar:

ClinVar aggregate classification (germline): Uncertain significance (1 of 4 stars; one submission).

Allele frequency attached by ClinVar (database versions not stated): gnomAD 0.00001; TOPMed 0.00002.
gnomAD v4.1: 4 of 1,614,136 alleles (0.00025%); highest among the groups gnomAD compares: Admixed American, 0.0017%; no homozygotes.

Submission:

Labcorp Genetics (formerly Invitae), Labcorp
Classification: Uncertain significance. Last evaluated: 2022-06-08. Review status: criteria provided, single submitter. Criteria: Invitae Variant Classification Sherloc (09022015). Collection method: clinical testing. Allele origin: germline.
Comment: Algorithms developed to predict the effect of missense changes on protein structure and function (SIFT, PolyPhen-2, Align-GVGD) all suggest that this variant is likely to be tolerated. In summary, the available evidence is currently insufficient to determine the role of this variant in disease. Therefore, it has been classified as a Variant of Uncertain Significance. This variant has not been reported in the literature in individuals affected with SLC36A2-related conditions. This variant is not present in population databases (gnomAD no frequency). This sequence change replaces methionine, which is neutral and non-polar, with threonine, which is neutral and polar, at codon 21 of the SLC36A2 protein (p.Met21Thr).

NM_181776.3(SLC36A2):c.62T>C (p.Met21Thr)

Genes: SLC36A1 (solute carrier family 36 member 1; plus strand), SLC36A2 (solute carrier family 36 member 2; minus strand). Cytogenetic location: 5q33.1.
Variant type: single nucleotide variant.
Coding change: c.62T>C on transcript NM_181776.3 (MANE Select); coding-DNA position 62, T replaced by C.
Protein change: p.Met21Thr; replaces methionine 21 with threonine.
Molecular consequence: missense variant.
Genome position (GRCh38, 1-based): chr5:151,347,399, A>G on the plus strand (T>C on the coding strand, the complement: SLC36A2 is on the minus strand). VCF-style: chr5-151347399-A-G. GRCh37 (hg19) VCF-style: chr5-150726960-A-G.
Other names: short protein forms M21T.
Identifiers: ClinVar variation 2002810 (VCV002002810.4), dbSNP rs1411352793, ClinGen allele CA361821265.